The following is an entry in ClinVar:

ClinVar aggregate classification (germline): Likely benign (1 of 4 stars; one submission).

Submission:

CeGaT Center for Human Genetics Tuebingen
Classification: Likely benign. Last evaluated: 2026-06-01. Review status: criteria provided, single submitter. Criteria: CeGaT Center For Human Genetics Tuebingen Variant Classification Criteria Version 2. Collection method: clinical testing. Allele origin: germline. Affected: yes. Observed: 1 variant allele.
Comment: DNAJC30: PM2:Supporting, BP4, BP7

NM_032317.3(DNAJC30):c.91C>T (p.Leu31=)

Genes: DNAJC30 (DnaJ heat shock protein family (Hsp40) member C30; minus strand), LOC129998603 (ATAC-STARR-seq lymphoblastoid active region 26127; plus strand). Cytogenetic location: 7q11.23.
Variant type: single nucleotide variant.
Coding change: c.91C>T on transcript NM_032317.3 (MANE Select); coding-DNA position 91, C replaced by T.
Protein change: p.Leu31=; no amino-acid change (leucine 31 retained).
Molecular consequence: synonymous variant.
Genome position (GRCh38, 1-based): chr7:73,683,333, G>A on the plus strand (C>T on the coding strand, the complement: DNAJC30 is on the minus strand). VCF-style: chr7-73683333-G-A. GRCh37 (hg19) VCF-style: chr7-73097663-G-A.
Identifiers: ClinVar variation 4875419 (VCV004875419.2).